The following is an entry in ClinVar:

ClinVar aggregate classification (germline): Uncertain significance (1 of 4 stars; one submission).

Conditions:
CYP21A2-related disorder. Also called: CYP21A2-related condition.

Submission:

PreventionGenetics, part of Exact Sciences
Classification: Uncertain significance for CYP21A2-related condition. Last evaluated: 2026-08-21. Review status: criteria provided, single submitter. Criteria: ACMG Guidelines, 2015. Collection method: clinical testing. Allele origin: germline.
Comment: The CYP21A2 c.392G>A variant is predicted to result in the amino acid substitution p.Gly131Asp. This variant, also known as p.G130D using legacy nomenclature, has been reported in the homozygous state and with another CYP21A2 variant in individuals with congenital adrenal hyperplasia (Einaudi et al. 2011. PubMed ID: 21169730; Dundar et al. 2019. PubMed ID: 31006099). This variant is not reported in the general population (gnomAD), indicating it is rare. This variant falls within a highly paralogous region. Allele frequency data should be interpreted with caution. At this time, the clinical significance of this variant is uncertain due to the absence of conclusive functional and genetic evidence.

NM_000500.9(CYP21A2):c.392G>A (p.Gly131Asp)

Genes: CYP21A2 (cytochrome P450 family 21 subfamily A member 2; plus strand), LOC106780800 (CYP21A2 recombination region; plus strand). Cytogenetic location: 6p21.33.
Variant type: single nucleotide variant.
Coding change: c.392G>A on transcript NM_000500.9 (MANE Select); coding-DNA position 392, G replaced by A.
Protein change: p.Gly131Asp; replaces glycine 131 with aspartic acid.
Molecular consequence: missense variant. On other transcripts: 5 prime UTR variant (2).
Genome position (GRCh38, 1-based): chr6:32,039,193, G>A. VCF-style: chr6-32039193-G-A. GRCh37 (hg19) VCF-style: chr6-32006970-G-A.
Other names: c.302G>A, p.Gly101Asp (NM_001128590.4); c.-14G>A (NM_001368143.2, NM_001368144.2); short protein forms G101D, G131D.
Identifiers: ClinVar variation 4984410 (VCV004984410.1).